The following is an entry in ClinVar:

ClinVar aggregate classification (germline): Conflicting classifications of pathogenicity. Review status: criteria provided, conflicting classifications (1 of 4 stars). 6 submissions from 6 submitters: Uncertain significance (1); Benign (2); Likely benign (3). Last evaluated 2026-06-01.

Allele frequency attached by ClinVar (database versions not stated): ExAC 0.00045; gnomAD 0.00048 and 0.00051; ESP Exome Variant Server 0.00023; gnomAD exomes 0.00028 and 0.00038; TOPMed 0.00053; 1000 Genomes Project 30x 0.00109; 1000 Genomes Project 0.00120.
gnomAD v4.1: 488 of 1,613,398 alleles (0.03%); highest among the groups gnomAD compares: Admixed American, 0.15%; no homozygotes.

Submissions (6):

CeGaT Center for Human Genetics Tuebingen
Classification: Likely benign. Last evaluated: 2026-06-01. Review status: criteria provided, single submitter. Criteria: CeGaT Center For Human Genetics Tuebingen Variant Classification Criteria Version 2. Collection method: clinical testing. Allele origin: germline. Affected: yes. Observed: 1 variant allele.
Comment: COL2A1: BP4, BP7, BS1

Labcorp Genetics (formerly Invitae), Labcorp
Classification: Benign. Last evaluated: 2025-12-22. Review status: criteria provided, single submitter. Criteria: Invitae Variant Classification Sherloc (09022015). Collection method: clinical testing. Allele origin: germline.

Blueprint Genetics
Classification: Likely benign. Last evaluated: 2024-11-19. Review status: criteria provided, single submitter. Criteria: ACMG Guidelines, 2015. Collection method: clinical testing. Allele origin: germline.

ARUP Laboratories, Molecular Genetics and Genomics, ARUP Laboratories
Classification: Benign. Last evaluated: 2022-03-02. Review status: criteria provided, single submitter. Criteria: ARUP Molecular Germline Variant Investigation Process 2021. Collection method: clinical testing. Allele origin: germline.

GeneDx
Classification: Likely benign. Last evaluated: 2020-12-03. Review status: criteria provided, single submitter. Criteria: GeneDx Variant Classification Process June 2021. Collection method: clinical testing. Allele origin: germline. Affected: yes.

Eurofins Ntd Llc (ga)
Classification: Uncertain significance. Last evaluated: 2018-08-13. Review status: criteria provided, single submitter. Criteria: EGL ClinVar v180209 classification definitions. Collection method: clinical testing. Allele origin: germline. Observed: 2 variant alleles, 2 heterozygotes.

NM_001844.5(COL2A1):c.1176C>T (p.Arg392=)

Gene: COL2A1 (collagen type II alpha 1 chain; minus strand). Cytogenetic location: 12q13.11.
Variant type: single nucleotide variant.
Coding change: c.1176C>T on transcript NM_001844.5 (MANE Select); coding-DNA position 1176, C replaced by T.
Protein change: p.Arg392=; no amino-acid change (arginine 392 retained).
Molecular consequence: synonymous variant.
Genome position (GRCh38, 1-based): chr12:47,987,656, G>A on the plus strand (C>T on the coding strand, the complement: COL2A1 is on the minus strand). VCF-style: chr12-47987656-G-A. GRCh37 (hg19) VCF-style: chr12-48381439-G-A.
Other names: c.969C>T, p.Arg323= (NM_033150.3).
Identifiers: ClinVar variation 502477 (VCV000502477.32), dbSNP rs201575114, ClinGen allele CA6535584.
Genomic context (GRCh38, chr12:47,987,656, plus strand): 5'-AGAAGCTGCACTTACGGAGGCACCAGCAGGCCCAGGGGACCCAGGAGTACCAGGTTCACC[G>A]CGAGGACCTTGAGCACCTTCAGGACCACGGGCACCAGTGGGGCCGGCTTCACCCTGGGAA-3'
Protein context (NP_001835.3, residues 382-402): ARGPEGAQGP[Arg392=]GEPGTPGSPG